The following is an entry in ClinVar:

ClinVar aggregate classification (germline): Uncertain significance. Review status: criteria provided, multiple submitters, no conflicts (2 of 4 stars). 2 submissions from 2 submitters: Uncertain significance (2). Last evaluated 2025-11-11.

Allele frequency attached by ClinVar (database versions not stated): TOPMed 0.00001.
gnomAD v4.1: 14 of 1,614,070 alleles (0.00087%); highest among the groups gnomAD compares: Non-Finnish European, 0.0012%; no homozygotes.

Submissions (2):

Labcorp Genetics (formerly Invitae), Labcorp
Classification: Uncertain significance. Last evaluated: 2025-11-11. Review status: criteria provided, single submitter. Criteria: Invitae Variant Classification Sherloc (09022015). Collection method: clinical testing. Allele origin: germline.
Comment: This sequence change replaces alanine, which is neutral and non-polar, with proline, which is neutral and non-polar, at codon 353 of the FZD4 protein (p.Ala353Pro). This variant is not present in population databases (gnomAD no frequency). This variant has not been reported in the literature in individuals affected with FZD4-related conditions. ClinVar contains an entry for this variant (Variation ID: 953456). Invitae Evidence Modeling of protein sequence and biophysical properties (such as structural, functional, and spatial information, amino acid conservation, physicochemical variation, residue mobility, and thermodynamic stability) indicates that this missense variant is not expected to disrupt FZD4 protein function with a negative predictive value of 80%. In summary, the available evidence is currently insufficient to determine the role of this variant in disease. Therefore, it has been classified as a Variant of Uncertain Significance.

Blueprint Genetics
Classification: Uncertain significance. Last evaluated: 2022-08-18. Review status: criteria provided, single submitter. Criteria: ACMG Guidelines, 2015. Collection method: clinical testing. Allele origin: germline.

NM_012193.4(FZD4):c.1057G>C (p.Ala353Pro)

Genes: FZD4 (frizzled class receptor 4; minus strand), PRSS23 (serine protease 23; plus strand). Cytogenetic location: 11q14.2.
Variant type: single nucleotide variant.
Coding change: c.1057G>C on transcript NM_012193.4 (MANE Select); coding-DNA position 1057, G replaced by C.
Protein change: p.Ala353Pro; replaces alanine 353 with proline.
Molecular consequence: missense variant. On other transcripts: non-coding transcript variant (2).
Genome position (GRCh38, 1-based): chr11:86,951,699, C>G on the plus strand (G>C on the coding strand, the complement: FZD4 is on the minus strand). VCF-style: chr11-86951699-C-G. GRCh37 (hg19) VCF-style: chr11-86662741-C-G.
Other names: short protein forms A353P.
Identifiers: ClinVar variation 953456 (VCV000953456.10), dbSNP rs937686578, ClinGen allele CA225380959.
Genomic context (GRCh38, chr11:86,951,699, plus strand): 5'-GTTCATCTGCATCCACCAGTCTCATAATCAAGATGACAATGGTTTTCACTGCGGGGATGG[C>G]CCAGGCTGCAATGTGGAAATAAGAGCTGTGCATTTCAATGGCTTCATGACCCCATTTGAG-3'
Protein context (NP_036325.2, residues 343-363): HSSYFHIAAW[Ala353Pro]IPAVKTIVIL